The following is an entry in ClinVar:

NM_014003.4(DHX38):c.2542G>A (p.Ala848Thr)

Gene: DHX38 (DEAH-box helicase 38; plus strand). Cytogenetic location: 16q22.2.
Variant type: single nucleotide variant.
Coding change: c.2542G>A on transcript NM_014003.4 (MANE Select); coding-DNA position 2542, G replaced by A.
Protein change: p.Ala848Thr; replaces alanine 848 with threonine.
Molecular consequence: missense variant.
Genome position (GRCh38, 1-based): chr16:72,106,059, G>A. VCF-style: chr16-72106059-G-A. GRCh37 (hg19) VCF-style: chr16-72139958-G-A.
Other names: c.2542G>A (NM_014003.3); short protein forms A848T.
Identifiers: ClinVar variation 1432875 (VCV001432875.11), dbSNP rs747620245, ClinGen allele CA8160695.

ClinVar aggregate classification (germline): Conflicting classifications of pathogenicity. Review status: criteria provided, conflicting classifications (1 of 4 stars). 3 submissions from 3 submitters: Uncertain significance (2); Likely benign (1). Last evaluated 2025-08-07.

Allele frequency attached by ClinVar (database versions not stated): ExAC 0.00001; gnomAD 0.00003 and 0.00004; gnomAD exomes 0.00003 and 0.00005; TOPMed 0.00005.
gnomAD v4.1: 51 of 1,614,108 alleles (0.0032%); highest among the groups gnomAD compares: Non-Finnish European, 0.00051%; no homozygotes.

Submissions (3):

Ambry Genetics
Classification: Uncertain significance. Last evaluated: 2025-08-07. Review status: criteria provided, single submitter. Criteria: Ambry Variant Classification Scheme 2023. Collection method: clinical testing. Allele origin: germline.

Labcorp Genetics (formerly Invitae), Labcorp
Classification: Uncertain significance. Last evaluated: 2022-07-14. Review status: criteria provided, single submitter. Criteria: Invitae Variant Classification Sherloc (09022015). Collection method: clinical testing. Allele origin: germline.
Comment: Algorithms developed to predict the effect of missense changes on protein structure and function are either unavailable or do not agree on the potential impact of this missense change (SIFT: "Deleterious"; PolyPhen-2: "Probably Damaging"; Align-GVGD: "Class C0"). In summary, the available evidence is currently insufficient to determine the role of this variant in disease. Therefore, it has been classified as a Variant of Uncertain Significance. ClinVar contains an entry for this variant (Variation ID: 1432875). This variant has not been reported in the literature in individuals affected with DHX38-related conditions. This variant is present in population databases (rs747620245, gnomAD 0.1%). This sequence change replaces alanine, which is neutral and non-polar, with threonine, which is neutral and polar, at codon 848 of the DHX38 protein (p.Ala848Thr).

Blueprint Genetics
Classification: Likely benign. Last evaluated: 2022-05-10. Review status: criteria provided, single submitter. Criteria: ACMG Guidelines, 2015. Collection method: clinical testing. Allele origin: germline.